The following is an entry in ClinVar:

NM_001012614.2(CTBP1):c.162+892_162+961del

Gene: CTBP1 (C-terminal binding protein 1; minus strand). Cytogenetic location: 4p16.3.
Variant type: Deletion.
Coding change: c.162+892_162+961del on transcript NM_001012614.2 (MANE Select); bases 892 to 961 of the intron after coding-DNA position 162, 70 bases deleted.
Molecular consequence: intron variant.
Genome position (GRCh38, 1-based): chr4:1,237,222-1,237,291, 70 bases deleted. GRCh37 (hg19): chr4:1,231,058-1,231,127.
Other names: c.162+892_162+961del (NM_001377192.1, NM_001377189.1, NM_001377193.1 and 4 more transcripts); c.195+892_195+961del (NM_001328.3, NM_001377186.1).
Identifiers: ClinVar variation 1701469 (VCV001701469.31), dbSNP rs1731619782, ClinGen allele CA549157286.

ClinVar aggregate classification (germline): Benign (1 of 4 stars; one submission).

Submission:

CeGaT Center for Human Genetics Tuebingen
Classification: Benign. Last evaluated: 2023-02-01. Review status: criteria provided, single submitter. Criteria: CeGaT Center For Human Genetics Tuebingen Variant Classification Criteria Version 2. Collection method: clinical testing. Allele origin: germline. Affected: yes. Observed: 5 variant alleles.
Comment: CTBP1: BS1, BS2